The following is an entry in ClinVar:

ClinVar aggregate classification (germline): Uncertain significance (1 of 4 stars; one submission).

Allele frequency attached by ClinVar (database versions not stated): gnomAD 0.00001; TOPMed 0.00002.
gnomAD v4.1: 3 of 1,613,650 alleles (0.00019%); highest among the groups gnomAD compares: African/African-American, 0.004%; no homozygotes.

Submission:

GeneDx
Classification: Uncertain significance. Last evaluated: 2022-03-03. Review status: criteria provided, single submitter. Criteria: GeneDx Variant Classification Process June 2021. Collection method: clinical testing. Allele origin: germline. Affected: yes.
Comment: Not observed at significant frequency in large population cohorts (gnomAD); In silico analysis supports that this missense variant has a deleterious effect on protein structure/function; Has not been previously published as pathogenic or benign to our knowledge; This variant is associated with the following publications: (PMID: 24417746)

NM_032634.4(PIGO):c.377A>G (p.Asp126Gly)

Gene: PIGO (phosphatidylinositol glycan anchor biosynthesis class O; minus strand). Cytogenetic location: 9p13.3.
Variant type: single nucleotide variant.
Coding change: c.377A>G on transcript NM_032634.4 (MANE Select); coding-DNA position 377, A replaced by G.
Protein change: p.Asp126Gly; replaces aspartic acid 126 with glycine.
Molecular consequence: missense variant.
Genome position (GRCh38, 1-based): chr9:35,095,189, T>C on the plus strand (A>G on the coding strand, the complement: PIGO is on the minus strand). VCF-style: chr9-35095189-T-C. GRCh37 (hg19) VCF-style: chr9-35095186-T-C.
Other names: c.377A>G, p.Asp126Gly (NM_001201484.2, NM_152850.4); short protein forms D126G.
Identifiers: ClinVar variation 1704038 (VCV001704038.2), dbSNP rs866335855, ClinGen allele CA192716407.